The following is an entry in ClinVar:

NM_012179.4(FBXO7):c.400T>G (p.Trp134Gly)

Gene: FBXO7 (F-box protein 7; plus strand). Cytogenetic location: 22q12.3.
Variant type: single nucleotide variant.
Coding change: c.400T>G on transcript NM_012179.4 (MANE Select); coding-DNA position 400, T replaced by G.
Protein change: p.Trp134Gly; replaces tryptophan 134 with glycine.
Molecular consequence: missense variant.
Genome position (GRCh38, 1-based): chr22:32,479,258, T>G. VCF-style: chr22-32479258-T-G. GRCh37 (hg19) VCF-style: chr22-32875245-T-G.
Other names: c.163T>G, p.Trp55Gly (NM_001033024.2); c.58T>G, p.Trp20Gly (NM_001257990.2); short protein forms W20G, W134G, W55G.
Identifiers: ClinVar variation 1988077 (VCV001988077.1), dbSNP rs770619083, ClinGen allele CA10201404.

ClinVar aggregate classification (germline): Uncertain significance (1 of 4 stars; one submission).

Conditions:
Parkinsonian-pyramidal syndrome. Also called: PARKINSON DISEASE 15, AUTOSOMAL RECESSIVE EARLY-ONSET; PALLIDOPYRAMIDAL SYNDROME; PARKINSON DISEASE 15, AUTOSOMAL RECESSIVE. Identifiers: Orphanet 171695, MedGen C1850100, MONDO:0009830, OMIM 260300.

Allele frequency attached by ClinVar (database versions not stated): ExAC 0.00001; TOPMed 0.00001.
gnomAD v4.1: 4 of 1,614,184 alleles (0.00025%); highest among the groups gnomAD compares: East Asian, 0.0067%; no homozygotes.

Submission:

Labcorp Genetics (formerly Invitae), Labcorp
Classification: Uncertain significance for Parkinsonian-pyramidal syndrome. Last evaluated: 2022-04-12. Review status: criteria provided, single submitter. Criteria: Invitae Variant Classification Sherloc (09022015). Collection method: clinical testing. Allele origin: germline.
Comment: This sequence change replaces tryptophan, which is neutral and slightly polar, with glycine, which is neutral and non-polar, at codon 134 of the FBXO7 protein (p.Trp134Gly). This variant is present in population databases (rs770619083, gnomAD 0.01%). This variant has not been reported in the literature in individuals affected with FBXO7-related conditions. Algorithms developed to predict the effect of missense changes on protein structure and function output the following: SIFT: "Tolerated"; PolyPhen-2: "Benign"; Align-GVGD: "Class C0". The glycine amino acid residue is found in multiple mammalian species, which suggests that this missense change does not adversely affect protein function. In summary, the available evidence is currently insufficient to determine the role of this variant in disease. Therefore, it has been classified as a Variant of Uncertain Significance.